The following is an entry in ClinVar:

NM_033419.5(PGAP3):c.914A>G (p.Asp305Gly)

Gene: PGAP3 (post-GPI attachment to proteins phospholipase 3; minus strand). Cytogenetic location: 17q12.
Variant type: single nucleotide variant.
Coding change: c.914A>G on transcript NM_033419.5 (MANE Select); coding-DNA position 914, A replaced by G.
Protein change: p.Asp305Gly; replaces aspartic acid 305 with glycine.
Molecular consequence: missense variant. On other transcripts: stop lost (1).
Genome position (GRCh38, 1-based): chr17:39,672,852, T>C on the plus strand (A>G on the coding strand, the complement: PGAP3 is on the minus strand). VCF-style: chr17-39672852-T-C. GRCh37 (hg19) VCF-style: chr17-37829105-T-C.
Other names: *149W; c.761A>G, p.Asp254Gly (NM_001291726.2); c.851A>G, p.Asp284Gly (NM_001291728.2); c.572A>G, p.Asp191Gly (NM_001291730.2); c.509A>G, p.Asp170Gly (NM_001291732.2); c.447A>G, p.Ter149Trp (NM_001291733.2); short protein forms D305G, D191G, D254G, D284G, D170G.
Identifiers: ClinVar variation 125439 (VCV000125439.11), dbSNP rs587777252, ClinGen allele CA150829.

ClinVar aggregate classification (germline): Pathogenic/Likely pathogenic. Review status: criteria provided, multiple submitters, no conflicts (2 of 4 stars). 4 submissions from 4 submitters: Pathogenic (2); Likely pathogenic (1). 1 of the submissions does not count toward it. Last evaluated 2026-01-26.

Conditions:
PGAP3-related disorder. Also called: PGAP3-related condition.
Hyperphosphatasia with impaired intellectual development syndrome 4. Also called: Hyperphosphatasia with intellectual disability syndrome 4; GLYCOSYLPHOSPHATIDYLINOSITOL BIOSYNTHESIS DEFECT 10. Identifiers: Orphanet 247262, MedGen C3810354, MONDO:0014318, OMIM 615716.

Allele frequency attached by ClinVar (database versions not stated): gnomAD exomes 0.00002 and 0.00007; TOPMed 0.00003; gnomAD 0.00005.
gnomAD v4.1: 105 of 1,613,998 alleles (0.0065%); highest among the groups gnomAD compares: Non-Finnish European, 0.0085%; no homozygotes.

Submissions (4):

Labcorp Genetics (formerly Invitae), Labcorp
Classification: Pathogenic. Last evaluated: 2026-01-26. Review status: criteria provided, single submitter. Criteria: Invitae Variant Classification Sherloc (09022015). Collection method: clinical testing. Allele origin: germline.
Comment: This sequence change replaces aspartic acid, which is acidic and polar, with glycine, which is neutral and non-polar, at codon 305 of the PGAP3 protein (p.Asp305Gly). This variant is present in population databases (rs587777252, gnomAD 0.005%). This missense change has been observed in individual(s) with PGAP3-congenital disorder of glycosylation (PMID: 24439110, 28327575). In at least one individual the data is consistent with being in trans (on the opposite chromosome) from a pathogenic variant. It has also been observed to segregate with disease in related individuals. ClinVar contains an entry for this variant (Variation ID: 125439). Invitae Evidence Modeling of protein sequence and biophysical properties (such as structural, functional, and spatial information, amino acid conservation, physicochemical variation, residue mobility, and thermodynamic stability) indicates that this missense variant is expected to disrupt PGAP3 protein function with a positive predictive value of 95%. Experimental studies have shown that this missense change affects PGAP3 function (PMID: 24439110). For these reasons, this variant has been classified as Pathogenic.

GeneDx
Classification: Pathogenic. Last evaluated: 2025-06-13. Review status: criteria provided, single submitter. Criteria: GeneDx Variant Classification Process June 2021. Collection method: clinical testing. Allele origin: germline. Affected: yes.
Comment: Published functional studies demonstrate mislocalization to the endoplasmic reticulum and significantly reduced GPI-anchored protein levels suggesting low residual enzyme activity (PMID: 24439110); In silico analysis supports that this missense variant has a deleterious effect on protein structure/function; Not observed at significant frequency in large population cohorts (gnomAD); This variant is associated with the following publications: (PMID: 24439110, 28327575, 30345601, 27535533, 37010288, 27120253)

Blueprint Genetics
Classification: Likely pathogenic for PGAP3-related disorders. Last evaluated: 2020-02-03. Review status: criteria provided, single submitter. Criteria: ACMG Guidelines, 2015. Collection method: clinical testing. Allele origin: germline. Affected: yes. Observed: 3 variant alleles.

OMIM
Classification: Pathogenic for HYPERPHOSPHATASIA WITH IMPAIRED INTELLECTUAL DEVELOPMENT SYNDROME 4. Last evaluated: 2014-02-06. Review status: no assertion criteria provided. Collection method: literature only. Allele origin: germline. Not counted in ClinVar's aggregate classification.

Literature cited by the submitters: PubMed 24439110 (cited by Labcorp Genetics (formerly Invitae), Labcorp and OMIM); PubMed 28327575 (cited by Labcorp Genetics (formerly Invitae), Labcorp).